The following is an entry in ClinVar:

ClinVar aggregate classification (germline): Uncertain significance (1 of 4 stars; one submission).

Submission:

GeneDx
Classification: Uncertain significance. Last evaluated: 2025-06-05. Review status: criteria provided, single submitter. Criteria: GeneDx Variant Classification Process June 2021. Collection method: clinical testing. Allele origin: germline. Affected: yes.
Comment: Not observed at significant frequency in large population cohorts (gnomAD); Missense variants in this gene are a common cause of disease and they are underrepresented in the general population; In silico analysis supports that this missense variant has a deleterious effect on protein structure/function; This variant is associated with the following publications: (PMID: 32683654)

NM_001127898.4(CLCN5):c.1795A>C (p.Thr599Pro)

Genes: CLCN5 (chloride voltage-gated channel 5; plus strand), LOC126863258 (BRD4-independent group 4 enhancer GRCh37_chrX:49854497-49855696; plus strand). Cytogenetic location: Xp11.23.
Variant type: single nucleotide variant.
Coding change: c.1795A>C on transcript NM_001127898.4 (MANE Select); coding-DNA position 1795, A replaced by C.
Protein change: p.Thr599Pro; replaces threonine 599 with proline.
Molecular consequence: missense variant. On other transcripts: non-coding transcript variant (1).
Genome position (GRCh38, 1-based): chrX:50,090,166, A>C. VCF-style: chrX-50090166-A-C. GRCh37 (hg19) VCF-style: chrX-49854823-A-C.
Other names: c.1585A>C, p.Thr529Pro (NM_000084.5); c.1795A>C, p.Thr599Pro (NM_001127899.4); c.1645A>C, p.Thr549Pro (NM_001282163.2); c.1807A>C, p.Thr603Pro (NM_001440756.1, NM_001440757.1); short protein forms T529P, T549P, T599P, T603P.
Identifiers: ClinVar variation 4536248 (VCV004536248.1).